The following is an entry in ClinVar:

NM_144997.7(FLCN):c.745A>C (p.Asn249His)

Gene: FLCN (folliculin; minus strand). Cytogenetic location: 17p11.2.
Variant type: single nucleotide variant.
Coding change: c.745A>C on transcript NM_144997.7 (MANE Select); coding-DNA position 745, A replaced by C.
Protein change: p.Asn249His; replaces asparagine 249 with histidine.
Molecular consequence: missense variant.
Genome position (GRCh38, 1-based): chr17:17,222,535, T>G on the plus strand (A>C on the coding strand, the complement: FLCN is on the minus strand). VCF-style: chr17-17222535-T-G. GRCh37 (hg19) VCF-style: chr17-17125849-T-G.
Other names: c.799A>C, p.Asn267His (NM_001353229.2); c.745A>C, p.Asn249His (NM_001353230.2, NM_001353231.2, NM_144606.7); short protein forms N249H, N267H.
Identifiers: ClinVar variation 2763390 (VCV002763390.3), dbSNP rs747429545, ClinGen allele CA288315480.

ClinVar aggregate classification (germline): Uncertain significance (1 of 4 stars; one submission).

Conditions:
Birt-Hogg-Dube syndrome. Also called: Birt Hogg Dubé syndrome. Identifiers: Orphanet 122, MedGen C0346010, MONDO:0800444.

Submission:

Labcorp Genetics (formerly Invitae), Labcorp
Classification: Uncertain significance for Birt-Hogg-Dube syndrome. Last evaluated: 2023-08-02. Review status: criteria provided, single submitter. Criteria: Invitae Variant Classification Sherloc (09022015). Collection method: clinical testing. Allele origin: germline.
Comment: This variant is not present in population databases (gnomAD no frequency). This sequence change replaces asparagine, which is neutral and polar, with histidine, which is basic and polar, at codon 249 of the FLCN protein (p.Asn249His). This variant has not been reported in the literature in individuals affected with FLCN-related conditions. Advanced modeling of protein sequence and biophysical properties (such as structural, functional, and spatial information, amino acid conservation, physicochemical variation, residue mobility, and thermodynamic stability) performed at Invitae indicates that this missense variant is not expected to disrupt FLCN protein function. In summary, the available evidence is currently insufficient to determine the role of this variant in disease. Therefore, it has been classified as a Variant of Uncertain Significance.